The following is an entry in ClinVar:

NM_005444.3(CNOT9):c.877G>A (p.Gly293Ser)

Gene: CNOT9 (CCR4-NOT transcription complex subunit 9; plus strand). Cytogenetic location: 2q35.
Variant type: single nucleotide variant.
Coding change: c.877G>A on transcript NM_005444.3 (MANE Select); coding-DNA position 877, G replaced by A.
Protein change: p.Gly293Ser; replaces glycine 293 with serine.
Molecular consequence: missense variant. On other transcripts: non-coding transcript variant (1).
Genome position (GRCh38, 1-based): chr2:218,594,253, G>A. VCF-style: chr2-218594253-G-A. GRCh37 (hg19) VCF-style: chr2-219458976-G-A.
Other names: c.973G>A, p.Gly325Ser (NM_001271634.2); short protein forms G293S, G325S.
Identifiers: ClinVar variation 4278492 (VCV004278492.1).

ClinVar aggregate classification (germline): Uncertain significance (1 of 4 stars; one submission).

Submission:

GeneDx
Classification: Uncertain significance. Last evaluated: 2025-04-02. Review status: criteria provided, single submitter. Criteria: GeneDx Variant Classification Process June 2021. Collection method: clinical testing. Allele origin: germline. Affected: yes.
Comment: Not observed at significant frequency in large population cohorts (gnomAD); In silico analysis indicates that this missense variant does not alter protein structure/function; Has not been previously published as pathogenic or benign to our knowledge